The following is an entry in ClinVar:

ClinVar aggregate classification (germline): Likely benign. Review status: criteria provided, single submitter (1 of 4 stars). 2 submissions from 2 submitters: Likely benign (1). 1 of the submissions does not count toward it. Last evaluated 2024-07-22.

Conditions:
MRPS34-related disorder. Also called: MRPS34-related condition.

Allele frequency attached by ClinVar (database versions not stated): gnomAD 0.00013; TOPMed 0.00016.

Submissions (2):

Labcorp Genetics (formerly Invitae), Labcorp
Classification: Likely benign. Last evaluated: 2024-07-22. Review status: criteria provided, single submitter. Criteria: Invitae Variant Classification Sherloc (09022015). Collection method: clinical testing. Allele origin: germline.

PreventionGenetics, part of Exact Sciences
Classification: Likely benign for MRPS34-related condition. Last evaluated: 2020-02-17. Review status: no assertion criteria provided. Collection method: clinical testing. Allele origin: germline. Not counted in ClinVar's aggregate classification.
Comment: This variant is classified as likely benign based on ACMG/AMP sequence variant interpretation guidelines (Richards et al. 2015 PMID: 25741868, with internal and published modifications).

NM_023936.2(MRPS34):c.15G>A (p.Lys5=)

Genes: EME2 (essential meiotic structure-specific endonuclease subunit 2; plus strand), MRPS34 (mitochondrial ribosomal protein S34; minus strand), LOC130058184 (ATAC-STARR-seq lymphoblastoid active region 10237; plus strand). Cytogenetic location: 16p13.3.
Variant type: single nucleotide variant.
Coding change: c.15G>A on transcript NM_023936.2 (MANE Select); coding-DNA position 15, G replaced by A.
Protein change: p.Lys5=; no amino-acid change (lysine 5 retained).
Molecular consequence: synonymous variant. On other transcripts: 5 prime UTR variant (1).
Genome position (GRCh38, 1-based): chr16:1,773,105, C>T on the plus strand (G>A on the coding strand, the complement: MRPS34 is on the minus strand). VCF-style: chr16-1773105-C-T. GRCh37 (hg19) VCF-style: chr16-1823106-C-T.
Other names: c.-123C>T (NM_001257370.2); c.15G>A, p.Lys5= (NM_001300900.2).
Identifiers: ClinVar variation 2726544 (VCV002726544.5), dbSNP rs758711405, ClinGen allele CA7818449.